The following is an entry in ClinVar:

NM_001454.4(FOXJ1):c.798C>T (p.Gly266=)

Gene: FOXJ1 (forkhead box J1; minus strand). Cytogenetic location: 17q25.1.
Variant type: single nucleotide variant.
Coding change: c.798C>T on transcript NM_001454.4 (MANE Select); coding-DNA position 798, C replaced by T.
Protein change: p.Gly266=; no amino-acid change (glycine 266 retained).
Molecular consequence: synonymous variant.
Genome position (GRCh38, 1-based): chr17:76,137,821, G>A on the plus strand (C>T on the coding strand, the complement: FOXJ1 is on the minus strand). VCF-style: chr17-76137821-G-A. GRCh37 (hg19) VCF-style: chr17-74133902-G-A.
Identifiers: ClinVar variation 3358657 (VCV003358657.1).

ClinVar aggregate classification (germline): Likely benign (0 of 4 stars; one submission).

Conditions:
FOXJ1-related disorder. Also called: FOXJ1-related condition.

gnomAD v4.1: 10 of 1,597,104 alleles (0.00063%); highest among the groups gnomAD compares: Non-Finnish European, 0.00085%; no homozygotes.

Submission:

PreventionGenetics, part of Exact Sciences
Classification: Likely benign for FOXJ1-related condition. Last evaluated: 2024-08-17. Review status: no assertion criteria provided. Collection method: clinical testing. Allele origin: germline.
Comment: This variant is classified as likely benign based on ACMG/AMP sequence variant interpretation guidelines (Richards et al. 2015 PMID: 25741868, with internal and published modifications).